The following is an entry in ClinVar:

NM_003126.4(SPTA1):c.3929G>T (p.Gly1310Val)

Gene: SPTA1 (spectrin alpha, erythrocytic 1; minus strand). Cytogenetic location: 1q23.1.
Variant type: single nucleotide variant.
Coding change: c.3929G>T on transcript NM_003126.4 (MANE Select); coding-DNA position 3929, G replaced by T.
Protein change: p.Gly1310Val; replaces glycine 1310 with valine.
Molecular consequence: missense variant.
Genome position (GRCh38, 1-based): chr1:158,645,562, C>A on the plus strand (G>T on the coding strand, the complement: SPTA1 is on the minus strand). VCF-style: chr1-158645562-C-A. GRCh37 (hg19) VCF-style: chr1-158615352-C-A.
Other names: c.3929G>T (NM_003126.2); short protein forms G1310V.
Identifiers: ClinVar variation 2712291 (VCV002712291.5), dbSNP rs755751030, ClinGen allele CA1182887.

ClinVar aggregate classification (germline): Uncertain significance. Review status: criteria provided, multiple submitters, no conflicts (2 of 4 stars). 3 submissions from 3 submitters: Uncertain significance (3). Last evaluated 2025-04-10.

Allele frequency attached by ClinVar (database versions not stated): ExAC 0.00001; gnomAD 0.00001; gnomAD exomes 0.00001; TOPMed 0.00001.
gnomAD v4.1: 14 of 1,613,902 alleles (0.00087%); highest among the groups gnomAD compares: Admixed American, 0.0083%; no homozygotes.

Submissions (3):

Ambry Genetics
Classification: Uncertain significance. Last evaluated: 2025-04-10. Review status: criteria provided, single submitter. Criteria: Ambry Variant Classification Scheme 2023. Collection method: clinical testing. Allele origin: germline.

Revvity Omics, Revvity
Classification: Uncertain significance. Last evaluated: 2024-12-03. Review status: criteria provided, single submitter. Criteria: ACMG Guidelines, 2015. Collection method: clinical testing. Allele origin: germline.

Labcorp Genetics (formerly Invitae), Labcorp
Classification: Uncertain significance. Last evaluated: 2024-08-27. Review status: criteria provided, single submitter. Criteria: Invitae Variant Classification Sherloc (09022015). Collection method: clinical testing. Allele origin: germline.
Comment: This sequence change replaces glycine, which is neutral and non-polar, with valine, which is neutral and non-polar, at codon 1310 of the SPTA1 protein (p.Gly1310Val). This variant is present in population databases (rs755751030, gnomAD 0.009%). This variant has not been reported in the literature in individuals affected with SPTA1-related conditions. Invitae Evidence Modeling of protein sequence and biophysical properties (such as structural, functional, and spatial information, amino acid conservation, physicochemical variation, residue mobility, and thermodynamic stability) indicates that this missense variant is not expected to disrupt SPTA1 protein function with a negative predictive value of 80%. In summary, the available evidence is currently insufficient to determine the role of this variant in disease. Therefore, it has been classified as a Variant of Uncertain Significance.